The following is an entry in ClinVar:

NM_021224.6(ZNF462):c.2172A>T (p.Glu724Asp)

Gene: ZNF462 (zinc finger protein 462; plus strand). Cytogenetic location: 9q31.2.
Variant type: single nucleotide variant.
Coding change: c.2172A>T on transcript NM_021224.6 (MANE Select); coding-DNA position 2172, A replaced by T.
Protein change: p.Glu724Asp; replaces glutamic acid 724 with aspartic acid.
Molecular consequence: missense variant.
Genome position (GRCh38, 1-based): chr9:106,926,084, A>T. VCF-style: chr9-106926084-A-T. GRCh37 (hg19) VCF-style: chr9-109688365-A-T.
Other names: c.2172A>T, p.Glu724Asp (NM_001347997.2); c.2172A>T (NM_021224.4); short protein forms E724D.
Identifiers: ClinVar variation 2629422 (VCV002629422.2), dbSNP rs1830181971, ClinGen allele CA374388546.

ClinVar aggregate classification (germline): Uncertain significance. Review status: criteria provided, multiple submitters, no conflicts (2 of 4 stars). 2 submissions from 2 submitters: Uncertain significance (2). Last evaluated 2024-08-19.

Conditions:
ZNF462-related disorder. Also called: ZNF462 related disease; ZNF462-related condition.
Inborn genetic diseases. Identifiers: MedGen C0950123, MeSH D030342.

Allele frequency attached by ClinVar (database versions not stated): TOPMed below 0.00001.

Submissions (2):

Ambry Genetics
Classification: Uncertain significance for Inborn genetic diseases. Last evaluated: 2024-08-19. Review status: criteria provided, single submitter. Criteria: Ambry Variant Classification Scheme 2023. Collection method: clinical testing. Allele origin: germline.

PreventionGenetics, part of Exact Sciences
Classification: Uncertain significance for ZNF462-related condition. Last evaluated: 2022-09-08. Review status: criteria provided, single submitter. Criteria: ACMG Guidelines, 2015. Collection method: clinical testing. Allele origin: germline.
Comment: The ZNF462 c.2172A>T variant is predicted to result in the amino acid substitution p.Glu724Asp. To our knowledge, this variant has not been reported in the literature or in a large population database, indicating this variant is rare. At this time, the clinical significance of this variant is uncertain due to the absence of conclusive functional and genetic evidence.